The following is an entry in ClinVar:

NM_000726.5(CACNB4):c.1373C>A (p.Ser458Tyr)

Gene: CACNB4 (calcium voltage-gated channel auxiliary subunit beta 4; minus strand). Cytogenetic location: 2q23.3.
Variant type: single nucleotide variant.
Coding change: c.1373C>A on transcript NM_000726.5 (MANE Select); coding-DNA position 1373, C replaced by A.
Protein change: p.Ser458Tyr; replaces serine 458 with tyrosine.
Molecular consequence: missense variant.
Genome position (GRCh38, 1-based): chr2:151,839,309, G>T on the plus strand (C>A on the coding strand, the complement: CACNB4 is on the minus strand). VCF-style: chr2-151839309-G-T. GRCh37 (hg19) VCF-style: chr2-152695823-G-T.
Other names: c.1319C>A, p.Ser440Tyr (NM_001005746.4); c.1271C>A, p.Ser424Tyr (NM_001005747.4); c.1187C>A, p.Ser396Tyr (NM_001145798.3); c.1232C>A, p.Ser411Tyr (NM_001320722.3, NM_001330118.2); c.1130C>A, p.Ser377Tyr (NM_001330113.2); c.719C>A, p.Ser240Tyr (NM_001330114.2); c.1082C>A, p.Ser361Tyr (NM_001330115.2); c.1043C>A, p.Ser348Tyr (NM_001330116.2); and 1 more; short protein forms S348Y, S396Y, S361Y, S377Y, S458Y, S272Y, S440Y, S240Y.
Identifiers: ClinVar variation 854718 (VCV000854718.9), dbSNP rs761712022, ClinGen allele CA1912352.

ClinVar aggregate classification (germline): Uncertain significance (1 of 4 stars; one submission).

Conditions:
Idiopathic generalized epilepsy. Also called: EIG; Generalised epilepsy. Identifiers: MedGen C0270850, MONDO:0005579, OMIM 600669.

Allele frequency attached by ClinVar (database versions not stated): TOPMed 0.00001; ExAC 0.00002; gnomAD exomes 0.00002 and 0.00005.
gnomAD v4.1: 66 of 1,613,340 alleles (0.0041%); highest among the groups gnomAD compares: Non-Finnish European, 0.0053%; no homozygotes.

Submission:

Labcorp Genetics (formerly Invitae), Labcorp
Classification: Uncertain significance for Idiopathic generalized epilepsy. Last evaluated: 2019-06-17. Review status: criteria provided, single submitter. Criteria: Invitae Variant Classification Sherloc (09022015). Collection method: clinical testing. Allele origin: germline.
Comment: This variant has not been reported in the literature in individuals with CACNB4-related conditions. This variant is present in population databases (rs761712022, ExAC 0.004%). This sequence change replaces serine with tyrosine at codon 458 of the CACNB4 protein (p.Ser458Tyr). The serine residue is moderately conserved and there is a large physicochemical difference between serine and tyrosine. Algorithms developed to predict the effect of missense changes on protein structure and function are either unavailable or do not agree on the potential impact of this missense change (SIFT: "Tolerated"; PolyPhen-2: "Possibly Damaging"; Align-GVGD: "Class C0"). In summary, the available evidence is currently insufficient to determine the role of this variant in disease. Therefore, it has been classified as a Variant of Uncertain Significance.